The following is an entry in ClinVar:

ClinVar aggregate classification (germline): Uncertain significance (1 of 4 stars; one submission).

Submission:

GeneDx
Classification: Uncertain significance. Last evaluated: 2022-09-19. Review status: criteria provided, single submitter. Criteria: GeneDx Variant Classification Process June 2021. Collection method: clinical testing. Allele origin: germline. Affected: yes.
Comment: Not observed at significant frequency in large population cohorts (gnomAD); In silico analysis supports that this missense variant has a deleterious effect on protein structure/function; Has not been previously published as pathogenic or benign to our knowledge

NM_005909.5(MAP1B):c.914A>T (p.Asp305Val)

Gene: MAP1B (microtubule associated protein 1B; plus strand). Cytogenetic location: 5q13.2.
Variant type: single nucleotide variant.
Coding change: c.914A>T on transcript NM_005909.5 (MANE Select); coding-DNA position 914, A replaced by T.
Protein change: p.Asp305Val; replaces aspartic acid 305 with valine.
Molecular consequence: missense variant.
Genome position (GRCh38, 1-based): chr5:72,194,269, A>T. VCF-style: chr5-72194269-A-T. GRCh37 (hg19) VCF-style: chr5-71490096-A-T.
Other names: c.536A>T, p.Asp179Val (NM_001324255.2); short protein forms D179V, D305V.
Identifiers: ClinVar variation 2444821 (VCV002444821.1), dbSNP rs2478566681, ClinGen allele CA359995440.